The following is an entry in ClinVar:

ClinVar aggregate classification (germline): Benign (1 of 4 stars; one submission).

Conditions:
Peutz-Jeghers syndrome (PJS). Also called: POLYPOSIS, HAMARTOMATOUS INTESTINAL; POLYPS-AND-SPOTS SYNDROME; Peutz-Jeghers polyposis; Periorificial lentiginosis syndrome. Identifiers: Orphanet 2869, MedGen C0031269, MeSH D010580, MONDO:0008280, OMIM 175200.

Submission:

Myriad Genetics, Inc.
Classification: Benign for Peutz-Jeghers syndrome. Last evaluated: 2025-03-27. Review status: criteria provided, single submitter. Criteria: Myriad Autosomal Dominant, Autosomal Recessive and X-Linked Classification Criteria (2023). Collection method: clinical testing. Allele origin: unknown.
Comment: This variant is considered benign. This variant is a silent/synonymous amino acid change and it is not expected to impact splicing.

NM_000455.5(STK11):c.897C>A (p.Ser299=)

Gene: STK11 (serine/threonine kinase 11; plus strand). Cytogenetic location: 19p13.3.
Variant type: single nucleotide variant.
Coding change: c.897C>A on transcript NM_000455.5 (MANE Select); coding-DNA position 897, C replaced by A.
Protein change: p.Ser299=; no amino-acid change (serine 299 retained).
Molecular consequence: synonymous variant. On other transcripts: non-coding transcript variant (1).
Genome position (GRCh38, 1-based): chr19:1,221,983, C>A. VCF-style: chr19-1221983-C-A. GRCh37 (hg19) VCF-style: chr19-1221982-C-A.
Other names: c.897C>A, p.Ser299= (NM_001407255.1).
Identifiers: ClinVar variation 3904001 (VCV003904001.1).